The following is an entry in ClinVar:

NM_001689.5(ATP5MC3):c.161A>G (p.Gln54Arg)

Gene: ATP5MC3 (ATP synthase membrane subunit c locus 3; minus strand). Cytogenetic location: 2q31.1.
Variant type: single nucleotide variant.
Coding change: c.161A>G on transcript NM_001689.5 (MANE Select); coding-DNA position 161, A replaced by G.
Protein change: p.Gln54Arg; replaces glutamine 54 with arginine.
Molecular consequence: missense variant.
Genome position (GRCh38, 1-based): chr2:175,179,210, T>C on the plus strand (A>G on the coding strand, the complement: ATP5MC3 is on the minus strand). VCF-style: chr2-175179210-T-C. GRCh37 (hg19) VCF-style: chr2-176043938-T-C.
Other names: c.161A>G, p.Gln54Arg (NM_001002258.5, NM_001190329.2); short protein forms Q54R.
Identifiers: ClinVar variation 2476407 (VCV002476407.2), dbSNP rs775248526, ClinGen allele CA349692874.

ClinVar aggregate classification (germline): Uncertain significance (1 of 4 stars; one submission).

Conditions:
Inborn genetic diseases. Identifiers: MedGen C0950123, MeSH D030342.

Allele frequency attached by ClinVar (database versions not stated): gnomAD 0.00001.
gnomAD v4.1: 2 of 1,614,092 alleles (0.00012%); highest among the groups gnomAD compares: East Asian, 0.0022%; no homozygotes.

Submission:

Ambry Genetics
Classification: Uncertain significance for Inborn genetic diseases. Last evaluated: 2023-01-18. Review status: criteria provided, single submitter. Criteria: Ambry Variant Classification Scheme 2023. Collection method: clinical testing. Allele origin: germline.
Comment: The c.161A>G (p.Q54R) alteration is located in exon 3 (coding exon 3) of the ATP5G3 gene. This alteration results from an A to G substitution at nucleotide position 161, causing the glutamine (Q) at amino acid position 54 to be replaced by an arginine (R). This allele was reported in one heterozygous individual in population-based cohorts in the Genome Aggregation Database (gnomAD). This amino acid position is well conserved in available vertebrate species. This alteration is predicted to be tolerated by in silico analysis. Based on insufficient or conflicting evidence, the clinical significance of this alteration remains unclear.